The following is an entry in ClinVar:

NM_080680.3(COL11A2):c.2819G>A (p.Gly940Glu)

Gene: COL11A2 (collagen type XI alpha 2 chain; minus strand). Cytogenetic location: 6p21.32.
Variant type: single nucleotide variant.
Coding change: c.2819G>A on transcript NM_080680.3 (MANE Select); coding-DNA position 2819, G replaced by A.
Protein change: p.Gly940Glu; replaces glycine 940 with glutamic acid.
Molecular consequence: missense variant.
Genome position (GRCh38, 1-based): chr6:33,172,609, C>T on the plus strand (G>A on the coding strand, the complement: COL11A2 is on the minus strand). VCF-style: chr6-33172609-C-T. GRCh37 (hg19) VCF-style: chr6-33140386-C-T.
Other names: c.2498G>A, p.Gly833Glu (NM_080679.3); c.2561G>A, p.Gly854Glu (NM_080681.3); short protein forms G854E, G833E, G940E.
Identifiers: ClinVar variation 2127612 (VCV002127612.4), dbSNP rs2534896107, ClinGen allele CA363638098.

ClinVar aggregate classification (germline): Uncertain significance (1 of 4 stars; one submission).

Submission:

Labcorp Genetics (formerly Invitae), Labcorp
Classification: Uncertain significance. Last evaluated: 2022-04-18. Review status: criteria provided, single submitter. Criteria: Invitae Variant Classification Sherloc (09022015). Collection method: clinical testing. Allele origin: germline.
Comment: In summary, the available evidence is currently insufficient to determine the role of this variant in disease. Therefore, it has been classified as a Variant of Uncertain Significance. Advanced modeling of protein sequence and biophysical properties (such as structural, functional, and spatial information, amino acid conservation, physicochemical variation, residue mobility, and thermodynamic stability) performed at Invitae indicates that this missense variant is expected to disrupt COL11A2 protein function. This variant has not been reported in the literature in individuals affected with COL11A2-related conditions. This variant is not present in population databases (gnomAD no frequency). This sequence change replaces glycine, which is neutral and non-polar, with glutamic acid, which is acidic and polar, at codon 940 of the COL11A2 protein (p.Gly940Glu).